The following is an entry in ClinVar:

ClinVar aggregate classification (germline): Pathogenic (1 of 4 stars; one submission).

Conditions:
Bloom syndrome (BLM). Also called: Bloom-Torre-Machacek syndrome. Identifiers: Orphanet 125, MedGen C0005859, MONDO:0008876, OMIM 210900.

Submission:

Labcorp Genetics (formerly Invitae), Labcorp
Classification: Pathogenic for Bloom syndrome. Last evaluated: 2021-02-13. Review status: criteria provided, single submitter. Criteria: Invitae Variant Classification Sherloc (09022015). Collection method: clinical testing. Allele origin: germline.
Comment: For these reasons, this variant has been classified as Pathogenic. This variant has not been reported in the literature in individuals with BLM-related conditions. This variant is a gross deletion of the genomic region encompassing exon(s) 2 of the BLM gene, which includes the initiator codon. The 5' end of this event is unknown as it extends beyond the assayed region for this gene and therefore may encompass additional genes. The 3' boundary is likely confined to intron 2 of the BLM gene. It is expected to result in an absent or disrupted protein product. Loss-of-function variants in BLM are known to be pathogenic (PMID: 17407155).

Literature cited by the submitters: PubMed 17407155.

NC_000015.9:g.(?_91290623)_(91290730_?)del

Gene: BLM (BLM RecQ like helicase; plus strand). Cytogenetic location: 15q26.1.
Variant type: Deletion.
Identifiers: ClinVar variation 1459442 (VCV001459442.5).